The following is an entry in ClinVar:

NM_007294.4(BRCA1):c.3627A>G (p.Leu1209=)

Genes: BRCA1 (BRCA1 DNA repair associated; minus strand), LOC126862571 (BRD4-independent group 4 enhancer GRCh37_chr17:41243136-41244335; plus strand). Cytogenetic location: 17q21.31.
Variant type: single nucleotide variant.
Coding change: c.3627A>G on transcript NM_007294.4 (MANE Select); coding-DNA position 3627, A replaced by G.
Protein change: p.Leu1209=; no amino-acid change (leucine 1209 retained).
Molecular consequence: synonymous variant. On other transcripts: intron variant (135).
Genome position (GRCh38, 1-based): chr17:43,091,904, T>C on the plus strand (A>G on the coding strand, the complement: BRCA1 is on the minus strand). VCF-style: chr17-43091904-T-C. GRCh37 (hg19) VCF-style: chr17-41243921-T-C.
Other names: c.3414A>G, p.Leu1138= (NM_001407571.1, NM_001407853.1, NM_001407894.1 and 9 more transcripts); c.3627A>G, p.Leu1209= (NM_001407581.1, NM_001407582.1, NM_001407583.1 and 30 more transcripts); c.3624A>G, p.Leu1208= (NM_001407587.1, NM_001407590.1, NM_001407591.1 and 22 more transcripts); c.3618A>G, p.Leu1206= (NM_001407646.1, NM_001407647.1); c.3504A>G, p.Leu1168= (NM_001407648.1, NM_001407664.1, NM_001407665.1 and 19 more transcripts); c.3501A>G, p.Leu1167= (NM_001407649.1, NM_001407670.1, NM_001407671.1 and 11 more transcripts); c.3549A>G, p.Leu1183= (NM_001407653.1, NM_001407654.1, NM_001407655.1 and 4 more transcripts); c.3546A>G, p.Leu1182= (NM_001407659.1, NM_001407660.1, NM_001407661.1 and 1 more transcripts); and 41 more.
Identifiers: ClinVar variation 427289 (VCV000427289.29), dbSNP rs770579978, ClinGen allele CA059332.

ClinVar aggregate classification (germline): Likely benign. Review status: reviewed by expert panel (3 of 4 stars). 7 submissions from 7 submitters: Likely benign (1). 6 of the submissions do not count toward it. Last evaluated 2017-06-29.

Conditions:
Hereditary breast ovarian cancer syndrome. Also called: Breast and ovarian cancer; Hereditary breast and ovarian cancer syndrome; Hereditary breast and ovarian cancer; Hereditary breast and ovarian cancer syndrome (HBOC); Hereditary breast and/or ovarian cancer syndrome; BRCA1- and BRCA2-Associated Hereditary Breast and Ovarian Cancer. Identifiers: Orphanet 145, MedGen C0677776, MeSH D061325, MONDO:0003582. Disease mechanism: loss of function.
Breast-ovarian cancer, familial, susceptibility to, 1 (BROVCA1). Also called: OVARIAN CANCER, SUSCEPTIBILITY TO; BRCA1 Hereditary Breast and Ovarian Cancer. Identifiers: Orphanet 145, MedGen C2676676, MONDO:0011450, OMIM 604370. Disease mechanism: loss of function.
Hereditary cancer-predisposing syndrome. Also called: Hereditary neoplastic syndrome; Tumor predisposition; Hereditary Cancer Syndrome; Neoplastic Syndromes, Hereditary. Identifiers: Orphanet 140162, MedGen C0027672, MeSH D009386, MONDO:0015356.

Allele frequency attached by ClinVar (database versions not stated): gnomAD exomes below 0.00001 and 0.00001; TOPMed below 0.00001; ExAC 0.00001.
gnomAD v4.1: 6 of 1,614,196 alleles (0.00037%); highest among the groups gnomAD compares: Non-Finnish European, 0.00051%; no homozygotes.

Submissions (7):

Evidence-based Network for the Interpretation of Germline Mutant Alleles (ENIGMA)
Classification: Likely benign for Breast-ovarian cancer, familial, susceptibility to, 1. Last evaluated: 2017-06-29. Review status: reviewed by expert panel. Criteria: ENIGMA BRCA1/2 Classification Criteria (2017-06-29). Collection method: curation. Allele origin: germline.
Comment: Synonymous substitution variant, with low bioinformatic likelihood to result in a splicing aberration (Splicing prior probability 0.02).

CeGaT Center for Human Genetics Tuebingen
Classification: Likely benign. Last evaluated: 2025-11-01. Review status: criteria provided, single submitter. Criteria: CeGaT Center For Human Genetics Tuebingen Variant Classification Criteria Version 2. Collection method: clinical testing. Allele origin: germline. Affected: yes. Observed: 1 variant allele. Not counted in ClinVar's aggregate classification.
Comment: BRCA1: BP4, BP7

Labcorp Genetics (formerly Invitae), Labcorp
Classification: Likely benign for Hereditary breast ovarian cancer syndrome. Last evaluated: 2025-10-18. Review status: criteria provided, single submitter. Criteria: Invitae Variant Classification Sherloc (09022015). Collection method: clinical testing. Allele origin: germline. Not counted in ClinVar's aggregate classification.

Color Diagnostics, LLC DBA Color Health
Classification: Likely benign for Hereditary cancer-predisposing syndrome. Last evaluated: 2025-01-06. Review status: criteria provided, single submitter. Criteria: ACMG Guidelines, 2015. Collection method: clinical testing. Allele origin: germline. Not counted in ClinVar's aggregate classification.

Quest Diagnostics Nichols Institute San Juan Capistrano
Classification: Likely benign. Last evaluated: 2023-01-24. Review status: criteria provided, single submitter. Criteria: Quest Diagnostics criteria. Collection method: clinical testing. Allele origin: unknown. Not counted in ClinVar's aggregate classification.

Mendelics
Classification: Likely benign for Breast-ovarian cancer, familial, susceptibility to, 1. Last evaluated: 2019-05-28. Review status: criteria provided, single submitter. Criteria: Mendelics Assertion Criteria 2017. Collection method: clinical testing. Allele origin: unknown. Not counted in ClinVar's aggregate classification.

Ambry Genetics
Classification: Likely benign for Hereditary cancer-predisposing syndrome. Last evaluated: 2015-11-08. Review status: criteria provided, single submitter. Criteria: Ambry Variant Classification Scheme 2023. Collection method: clinical testing. Allele origin: germline. Not counted in ClinVar's aggregate classification.